The following is an entry in ClinVar:

ClinVar aggregate classification (germline): Uncertain significance. Review status: criteria provided, multiple submitters, no conflicts (2 of 4 stars). 2 submissions from 2 submitters: Uncertain significance (2). Last evaluated 2025-05-01.

Conditions:
Wilms tumor 1 (WT1). Also called: Wilms tumor, somatic. Identifiers: Orphanet 654, MedGen CN033288, MONDO:0008679, OMIM 194070.
11p partial monosomy syndrome (WAGR). Also called: WAGR syndrome; WAGR Complex; WAGR Spectrum Disorder; CHROMOSOME 11p13 DELETION SYNDROME. Identifiers: Orphanet 893, MedGen C0206115, MONDO:0008681, OMIM 194072.
Drash syndrome (DDS). Also called: WILMS TUMOR AND PSEUDO- OR TRUE HERMAPHRODITISM; NEPHROPATHY, WILMS TUMOR, AND GENITAL ANOMALIES. Identifiers: Orphanet 220, MedGen C0950121, MONDO:0008682, OMIM 194080.
Frasier syndrome. Identifiers: Orphanet 347, MedGen C0950122, MeSH D052159, MONDO:0007635, OMIM 136680.

Submissions (2):

CeGaT Center for Human Genetics Tuebingen
Classification: Uncertain significance. Last evaluated: 2025-05-01. Review status: criteria provided, single submitter. Criteria: CeGaT Center For Human Genetics Tuebingen Variant Classification Criteria Version 2. Collection method: clinical testing. Allele origin: germline. Affected: yes. Observed: 1 variant allele.
Comment: WT1: PM2

Labcorp Genetics (formerly Invitae), Labcorp
Classification: Uncertain significance for Wilms tumor 1; Drash syndrome; 11p partial monosomy syndrome; Frasier syndrome. Last evaluated: 2019-10-29. Review status: criteria provided, single submitter. Criteria: Invitae Variant Classification Sherloc (09022015). Collection method: clinical testing. Allele origin: germline.
Comment: This variant has not been reported in the literature in individuals with WT1-related conditions. This variant is not present in population databases (ExAC no frequency). This sequence change replaces arginine with leucine at codon 501 of the WT1 protein (p.Arg501Leu). The arginine residue is highly conserved and there is a moderate physicochemical difference between arginine and leucine. Algorithms developed to predict the effect of missense changes on protein structure and function (SIFT, PolyPhen-2, Align-GVGD) all suggest that this variant is likely to be disruptive, but these predictions have not been confirmed by published functional studies and their clinical significance is uncertain. In summary, the available evidence is currently insufficient to determine the role of this variant in disease. Therefore, it has been classified as a Variant of Uncertain Significance.

NM_024426.6(WT1):c.1517G>T (p.Arg506Leu)

Gene: WT1 (WT1 transcription factor; minus strand). Cytogenetic location: 11p13.
Variant type: single nucleotide variant.
Coding change: c.1517G>T on transcript NM_024426.6 (MANE Select); coding-DNA position 1517, G replaced by T.
Protein change: p.Arg506Leu; replaces arginine 506 with leucine.
Molecular consequence: missense variant. On other transcripts: non-coding transcript variant (1).
Genome position (GRCh38, 1-based): chr11:32,389,110, C>A on the plus strand (G>T on the coding strand, the complement: WT1 is on the minus strand). VCF-style: chr11-32389110-C-A. GRCh37 (hg19) VCF-style: chr11-32410656-C-A.
Other names: c.1457G>T, p.Arg486Leu (NM_000378.6); c.857G>T, p.Arg286Leu (NM_001198551.2); c.815G>T, p.Arg272Leu (NM_001198552.2); c.329G>T, p.Arg110Leu (NM_001367854.1); c.1502G>T, p.Arg501Leu (NM_001407044.1); c.1466G>T, p.Arg489Leu (NM_001407045.1); c.1424G>T, p.Arg475Leu (NM_001407046.1); c.1385G>T, p.Arg462Leu (NM_001407047.1); and 6 more; short protein forms R272L, R110L, R486L, R503L, R286L, R506L, R252L, R458L.
Identifiers: ClinVar variation 971715 (VCV000971715.21), dbSNP rs1851744303, ClinGen allele CA379957582.
Genomic context (GRCh38, chr11:32,389,110, plus strand): 5'-GAGACCCCTCAAAGCGCCAGCTGGAGTTTGGTCATGTTTCTCTGATGCATGTTGTGATGG[C>A]GGACTAATTCATCTGACCGGGCAAACTTTTTCTGACAACTTGGCCACCGACAGCTGAAGG-3'
Protein context (NP_077744.4, residues 496-516): KKFARSDELV[Arg506Leu]HHNMHQRNMT